The following is an entry in ClinVar:

ClinVar aggregate classification (germline): Likely pathogenic (1 of 4 stars; one submission).

Conditions:
Cardiovascular phenotype. Identifiers: MedGen CN230736.

Submission:

Ambry Genetics
Classification: Likely pathogenic for Cardiovascular phenotype. Last evaluated: 2025-07-09. Review status: criteria provided, single submitter. Criteria: Ambry Variant Classification Scheme 2023. Collection method: clinical testing. Allele origin: germline.
Comment: The c.27699delA variant, located in coding exon 110 of the TTN gene, results from a deletion of one nucleotide at nucleotide position 27699, causing a translational frameshift with a predicted alternate stop codon (p.D9234Mfs*11). This exon is located in the A-band region of the N2-B isoform of the titin protein and is constitutively expressed in TTN transcripts (percent spliced in or PSI 100%). This variant is considered to be rare based on population cohorts in the Genome Aggregation Database (gnomAD). This variant is expected to result in loss of function by premature protein truncation or nonsense-mediated mRNA decay. While truncating variants in TTN are present in 1-3% of the general population, truncating variants in the A-band are the most common cause of dilated cardiomyopathy (Herman DS et al. N. Engl. J. Med., 2012 Feb;366:619-28; Roberts AM et al. Sci Transl Med, 2015 Jan;7:270ra6). TTN truncating variants encoded in constitutive exons (PSI >90%) have been found to be significantly associated with DCM regardless of their position in titin (Schafer S et al. Nat. Genet., 2017 01;49:46-53; Akhtar MM et al. Circ Heart Fail, 2020 Oct;13:e006832; Massier M et al. Clin Genet, 2025 Jan). Based on the majority of available evidence to date, this variant is likely to be pathogenic.

NM_001267550.2(TTN):c.54894del (p.Asp18299fs)

Genes: TTN (titin; minus strand), TTN-AS1 (TTN antisense RNA 1; plus strand). Cytogenetic location: 2q31.2.
Variant type: Deletion.
Coding change: c.54894del on transcript NM_001267550.2 (MANE Select); coding-DNA position 54894, one base deleted (A; older notation c.54894delA).
Protein change: p.Asp18299fs; shifts the reading frame from aspartic acid 18299.
Molecular consequence: frameshift variant.
Genome position (GRCh38, 1-based): chr2:178,602,508, T deleted on the plus strand (A on the coding strand, the reverse complement: TTN is on the minus strand); the first of 3 consecutive T bases (chr2:178,602,508-178,602,510); deleting any one gives the same sequence. VCF-style (leftmost placement, unchanged base first): chr2-178602507-CT-C. GRCh37 (hg19) VCF-style: chr2-179467234-CT-C.
Other names: c.49971del, p.Asp16658fs (NM_001256850.1); c.27699del, p.Asp9234fs (NM_003319.4); c.47190del, p.Asp15731fs (NM_133378.4); c.28074del, p.Asp9359fs (NM_133432.3); c.28275del, p.Asp9426fs (NM_133437.4); c.27699delA (NM_003319.4); short protein forms D15731fs, D9359fs, D16658fs, D18299fs, D9234fs, D9426fs.
Identifiers: ClinVar variation 4193718 (VCV004193718.1).